The following is an entry in ClinVar:

ClinVar aggregate classification (germline): Likely benign (1 of 4 stars; one submission).

gnomAD v4.1: 486 of 1,610,498 alleles (0.03%); highest among the groups gnomAD compares: Middle Eastern, 0.47%; no homozygotes.

Submission:

CeGaT Center for Human Genetics Tuebingen
Classification: Likely benign. Last evaluated: 2024-10-01. Review status: criteria provided, single submitter. Criteria: CeGaT Center For Human Genetics Tuebingen Variant Classification Criteria Version 2. Collection method: clinical testing. Allele origin: germline. Affected: yes. Observed: 1 variant allele.
Comment: SPDL1: BP4, BP7

NM_017785.5(SPDL1):c.1341T>C (p.Pro447=)

Gene: SPDL1 (spindle apparatus coiled-coil protein 1; plus strand). Cytogenetic location: 5q35.1.
Variant type: single nucleotide variant.
Coding change: c.1341T>C on transcript NM_017785.5 (MANE Select); coding-DNA position 1341, T replaced by C.
Protein change: p.Pro447=; no amino-acid change (proline 447 retained).
Molecular consequence: synonymous variant.
Genome position (GRCh38, 1-based): chr5:169,601,296, T>C. VCF-style: chr5-169601296-T-C. GRCh37 (hg19) VCF-style: chr5-169028300-T-C.
Other names: c.1341T>C, p.Pro447= (NM_001329639.2, NM_001329640.2, NM_001329641.2); c.1128T>C, p.Pro376= (NM_001329642.2, NM_001329643.2).
Identifiers: ClinVar variation 3388100 (VCV003388100.14).